The following is an entry in ClinVar:

ClinVar aggregate classification (germline): Pathogenic/Likely pathogenic. Review status: criteria provided, multiple submitters, no conflicts (2 of 4 stars). 2 submissions from 2 submitters: Pathogenic (1); Likely pathogenic (1). Last evaluated 2020-04-23.

Conditions:
Wiskott-Aldrich syndrome (WAS). Also called: ALDRICH SYNDROME; IMMUNODEFICIENCY 2; WISKOTT-ALDRICH SYNDROME 1; Wiskott-aldrich syndrome, somatic. Identifiers: Orphanet 906, MedGen C0043194, MONDO:0010518, OMIM 301000.

Submissions (2):

MAGIC Laboratory, Stellenbosch University
Classification: Likely pathogenic for Wiskott-Aldrich syndrome. Last evaluated: 2020-04-23. Review status: criteria provided, single submitter. Criteria: AMP Guidelines, 2017. Collection method: research. Allele origin: maternal. Inheritance: X-linked inheritance. Affected: yes. Observed: 1 hemizygote.

Neuberg Centre For Genomic Medicine, NCGM
Classification: Pathogenic for Wiskott-Aldrich syndrome. Review status: criteria provided, single submitter. Criteria: ACMG Guidelines, 2015. Collection method: clinical testing. Allele origin: germline. Inheritance: X-linked inheritance. Affected: yes.
Comment: The observed missense c.397G>A(p.Glu133Lys) variant in WAS gene has been reported previously in X-linked state in individual(s) affected with Wiskott-Aldrich syndrome (PMID: 25476427; PMID: 35874699). The amino acid change resulting from this variant was previously reported as an established pathogenic variant, and this nucleotide change also causes the same amino acid alteration. This variant is located in a mutational hot spot and/or critical and well-established functional domain. This variant is absent from controls in the genome aggregation database (gnomAD). Multiple lines of computational evidence support a deleterious effect on the gene or gene product (REVEL score: 0.95; CADD Phred: 26.00; SIFT: Damaging; Polyphen: Probably damaging; MutationTaster: Disease causing). ClinVar has an entry for this variant. The classification is based on ACMG rules, with the supporting clinical evidence rules (PS1,PM1,PM2,PP3,PP5). For these reasons, this variant has been classified as Pathogenic.

NM_000377.3(WAS):c.397G>A (p.Glu133Lys)

Gene: WAS (WASP actin nucleation promoting factor; plus strand). Cytogenetic location: Xp11.23.
Variant type: single nucleotide variant.
Coding change: c.397G>A on transcript NM_000377.3 (MANE Select); coding-DNA position 397, G replaced by A.
Protein change: p.Glu133Lys; replaces glutamic acid 133 with lysine.
Molecular consequence: missense variant.
Genome position (GRCh38, 1-based): chrX:48,685,770, G>A. VCF-style: chrX-48685770-G-A. GRCh37 (hg19) VCF-style: chrX-48544159-G-A.
Other names: short protein forms E133K.
Identifiers: ClinVar variation 870492 (VCV000870492.5), dbSNP rs2062417344, ClinGen allele CA412867622.